The following is an entry in ClinVar:

ClinVar aggregate classification (germline): Uncertain significance (1 of 4 stars; one submission).

Conditions:
Hereditary cancer-predisposing syndrome. Also called: Neoplastic Syndromes, Hereditary; Tumor predisposition; Hereditary Cancer Syndrome; Hereditary neoplastic syndrome. Identifiers: Orphanet 140162, MedGen C0027672, MeSH D009386, MONDO:0015356.

Submission:

Ambry Genetics
Classification: Uncertain significance for Hereditary cancer-predisposing syndrome. Last evaluated: 2022-02-13. Review status: criteria provided, single submitter. Criteria: Ambry Variant Classification Scheme 2023. Collection method: clinical testing. Allele origin: germline.
Comment: The p.H1244L variant (also known as c.3731A>T), located in coding exon 30 of the TSC2 gene, results from an A to T substitution at nucleotide position 3731. The histidine at codon 1244 is replaced by leucine, an amino acid with similar properties. This amino acid position is conserved. In addition, the in silico prediction for this alteration is inconclusive. Since supporting evidence is limited at this time, the clinical significance of this alteration remains unclear.

NM_000548.5(TSC2):c.3731A>T (p.His1244Leu)

Gene: TSC2 (TSC complex subunit 2; plus strand). Cytogenetic location: 16p13.3.
Variant type: single nucleotide variant.
Coding change: c.3731A>T on transcript NM_000548.5 (MANE Select); coding-DNA position 3731, A replaced by T.
Protein change: p.His1244Leu; replaces histidine 1244 with leucine.
Molecular consequence: missense variant.
Genome position (GRCh38, 1-based): chr16:2,081,715, A>T. VCF-style: chr16-2081715-A-T. GRCh37 (hg19) VCF-style: chr16-2131716-A-T.
Other names: c.3599A>T, p.His1200Leu (NM_001077183.3, NM_001370404.1, NM_001406665.1); c.3731A>T, p.His1244Leu (NM_001114382.3); c.3491A>T, p.His1164Leu (NM_001318827.2); c.3455A>T, p.His1152Leu (NM_001318829.2); c.2999A>T, p.His1000Leu (NM_001318831.2, NM_001406687.1, NM_001406688.1); c.3632A>T, p.His1211Leu (NM_001318832.2); c.3602A>T, p.His1201Leu (NM_001363528.2, NM_001370405.1, NM_021055.3); c.3542A>T, p.His1181Leu (NM_001406677.1); and 18 more; short protein forms H1043L, H1164L, H1201L, H1231L, H1044L, H1047L, H1152L, H1163L.
Identifiers: ClinVar variation 1734397 (VCV001734397.2), dbSNP rs2151483079, ClinGen allele CA394292890.